The following is an entry in ClinVar:

NM_024757.5(EHMT1):c.2992T>G (p.Ser998Ala)

Gene: EHMT1 (euchromatic histone lysine methyltransferase 1; plus strand). Cytogenetic location: 9q34.3.
Variant type: single nucleotide variant.
Coding change: c.2992T>G on transcript NM_024757.5 (MANE Select); coding-DNA position 2992, T replaced by G.
Protein change: p.Ser998Ala; replaces serine 998 with alanine.
Molecular consequence: missense variant.
Genome position (GRCh38, 1-based): chr9:137,813,130, T>G. VCF-style: chr9-137813130-T-G. GRCh37 (hg19) VCF-style: chr9-140707582-T-G.
Other names: c.2971T>G, p.Ser991Ala (NM_001354263.2); short protein forms S991A, S998A.
Identifiers: ClinVar variation 934042 (VCV000934042.12), dbSNP rs1330826129, ClinGen allele CA375793660.

ClinVar aggregate classification (germline): Conflicting classifications of pathogenicity. Review status: criteria provided, conflicting classifications (1 of 4 stars). 3 submissions from 3 submitters: Uncertain significance (2); Likely benign (1). Last evaluated 2025-03-15.

Conditions:
Kleefstra syndrome 1 (KLEFS1). Identifiers: Orphanet 261494, MedGen C0795833, MONDO:0027407, OMIM 610253.
Inborn genetic diseases. Identifiers: MedGen C0950123, MeSH D030342.

Allele frequency attached by ClinVar (database versions not stated): gnomAD 0.00001.
gnomAD v4.1: 1 of 1,612,284 alleles (0.000062%); highest among the groups gnomAD compares: Non-Finnish European, 0.000085%; no homozygotes.

Submissions (3):

Labcorp Genetics (formerly Invitae), Labcorp
Classification: Uncertain significance for Kleefstra syndrome 1. Last evaluated: 2025-03-15. Review status: criteria provided, single submitter. Criteria: Invitae Variant Classification Sherloc (09022015). Collection method: clinical testing. Allele origin: germline.
Comment: This sequence change replaces serine, which is neutral and polar, with alanine, which is neutral and non-polar, at codon 998 of the EHMT1 protein (p.Ser998Ala). This variant is present in population databases (no rsID available, gnomAD 0.007%). This variant has not been reported in the literature in individuals affected with EHMT1-related conditions. ClinVar contains an entry for this variant (Variation ID: 934042). Invitae Evidence Modeling of protein sequence and biophysical properties (such as structural, functional, and spatial information, amino acid conservation, physicochemical variation, residue mobility, and thermodynamic stability) indicates that this missense variant is not expected to disrupt EHMT1 protein function with a negative predictive value of 80%. In summary, the available evidence is currently insufficient to determine the role of this variant in disease. Therefore, it has been classified as a Variant of Uncertain Significance.

GeneDx
Classification: Uncertain significance. Last evaluated: 2023-12-28. Review status: criteria provided, single submitter. Criteria: GeneDx Variant Classification Process June 2021. Collection method: clinical testing. Allele origin: germline. Affected: yes.
Comment: Not observed at significant frequency in large population cohorts (gnomAD); In silico analysis supports that this missense variant does not alter protein structure/function; Has not been previously published as pathogenic or benign to our knowledge

Ambry Genetics
Classification: Likely benign for Inborn genetic diseases. Last evaluated: 2023-12-22. Review status: criteria provided, single submitter. Criteria: Ambry Variant Classification Scheme 2023. Collection method: clinical testing. Allele origin: germline.